The following is an entry in ClinVar:

NM_001080517.3(SETD5):c.654A>C (p.Glu218Asp)

Gene: SETD5 (SET domain containing 5; plus strand). Cytogenetic location: 3p25.3.
Variant type: single nucleotide variant.
Coding change: c.654A>C on transcript NM_001080517.3 (MANE Select); coding-DNA position 654, A replaced by C.
Protein change: p.Glu218Asp; replaces glutamic acid 218 with aspartic acid.
Molecular consequence: missense variant.
Genome position (GRCh38, 1-based): chr3:9,440,542, A>C. VCF-style: chr3-9440542-A-C. GRCh37 (hg19) VCF-style: chr3-9482226-A-C.
Other names: c.360A>C, p.Glu120Asp (NM_001292043.2, NM_001349451.2); short protein forms E120D, E218D.
Identifiers: ClinVar variation 3893573 (VCV003893573.1).
Genomic context (GRCh38, chr3:9,440,542, plus strand): 5'-AGATGAGAATACAACTGAGGGCTGGGAAAATCGGATAAGACTATGGACTGACCAGTATGA[A>C]GAAGCTTTCACTAATCAGTACAGTGCAGATGTACAGAACGCGCTTGAACAACACCTACAT-3'
Protein context (NP_001073986.1, residues 208-228): NRIRLWTDQY[Glu218Asp]EAFTNQYSAD

ClinVar aggregate classification (germline): Uncertain significance (1 of 4 stars; one submission).

Submission:

GeneDx
Classification: Uncertain significance. Last evaluated: 2024-10-27. Review status: criteria provided, single submitter. Criteria: GeneDx Variant Classification Process June 2021. Collection method: clinical testing. Allele origin: germline. Affected: yes.
Comment: Not observed at significant frequency in large population cohorts (gnomAD); In silico analysis indicates that this missense variant does not alter protein structure/function; Has not been previously published as pathogenic or benign to our knowledge